The following is an entry in ClinVar:

NM_005918.4(MDH2):c.880C>T (p.Leu294Phe)

Gene: MDH2 (malate dehydrogenase 2; plus strand). Cytogenetic location: 7q11.23.
Variant type: single nucleotide variant.
Coding change: c.880C>T on transcript NM_005918.4 (MANE Select); coding-DNA position 880, C replaced by T.
Protein change: p.Leu294Phe; replaces leucine 294 with phenylalanine.
Molecular consequence: missense variant.
Genome position (GRCh38, 1-based): chr7:76,064,948, C>T. VCF-style: chr7-76064948-C-T. GRCh37 (hg19) VCF-style: chr7-75694266-C-T.
Other names: c.754C>T, p.Leu252Phe (NM_001282403.2); c.559C>T, p.Leu187Phe (NM_001282404.2); short protein forms L252F, L294F, L187F.
Identifiers: ClinVar variation 1764746 (VCV001764746.2), dbSNP rs868962980, ClinGen allele CA367768891.

ClinVar aggregate classification (germline): Uncertain significance (1 of 4 stars; one submission).

Conditions:
Inborn genetic diseases. Identifiers: MedGen C0950123, MeSH D030342.

Allele frequency attached by ClinVar (database versions not stated): TOPMed below 0.00001; gnomAD 0.00001.
gnomAD v4.1: 2 of 1,614,008 alleles (0.00012%); highest among the groups gnomAD compares: Non-Finnish European, 0.00017%; no homozygotes.

Submission:

Ambry Genetics
Classification: Uncertain significance for Inborn genetic diseases. Last evaluated: 2021-12-20. Review status: criteria provided, single submitter. Criteria: Ambry Variant Classification Scheme 2023. Collection method: clinical testing. Allele origin: germline.
Comment: The p.L294F variant (also known as c.880C>T), located in coding exon 8 of the MDH2 gene, results from a C to T substitution at nucleotide position 880. The leucine at codon 294 is replaced by phenylalanine, an amino acid with highly similar properties. This amino acid position is conserved. In addition, the in silico prediction for this alteration is inconclusive. Since supporting evidence is limited at this time, the clinical significance of this alteration remains unclear.